The following is an entry in ClinVar:

NM_032776.3(JMJD1C):c.157C>T (p.Pro53Ser)

Genes: JMJD1C (jumonji domain containing 1C; minus strand), JMJD1C-AS1 (JMJD1C antisense RNA 1; plus strand). Cytogenetic location: 10q21.3.
Variant type: single nucleotide variant.
Coding change: c.157C>T on transcript NM_032776.3 (MANE Select); coding-DNA position 157, C replaced by T.
Protein change: p.Pro53Ser; replaces proline 53 with serine.
Molecular consequence: missense variant. On other transcripts: non-coding transcript variant (1), intron variant (2).
Genome position (GRCh38, 1-based): chr10:63,465,506, G>A on the plus strand (C>T on the coding strand, the complement: JMJD1C is on the minus strand). VCF-style: chr10-63465506-G-A. GRCh37 (hg19) VCF-style: chr10-65225266-G-A.
Other names: c.157C>T, p.Pro53Ser (NM_001322252.2); c.-384+56232C>T (NM_001322258.2); c.-379+56232C>T (NM_001318154.2); short protein forms P53S.
Identifiers: ClinVar variation 946146 (VCV000946146.8), dbSNP rs748149848, ClinGen allele CA5519200.

ClinVar aggregate classification (germline): Uncertain significance (1 of 4 stars; one submission).

Conditions:
Early Myoclonic Encephalopathy. Identifiers: MedGen C0270855.

Allele frequency attached by ClinVar (database versions not stated): TOPMed 0.00001.
gnomAD v4.1: 13 of 1,604,132 alleles (0.00081%); highest among the groups gnomAD compares: Admixed American, 0.01%; no homozygotes.

Submission:

Labcorp Genetics (formerly Invitae), Labcorp
Classification: Uncertain significance for Early Myoclonic Encephalopathy. Last evaluated: 2025-10-26. Review status: criteria provided, single submitter. Criteria: Invitae Variant Classification Sherloc (09022015). Collection method: clinical testing. Allele origin: germline.
Comment: This sequence change replaces proline, which is neutral and non-polar, with serine, which is neutral and polar, at codon 53 of the JMJD1C protein (p.Pro53Ser). This variant is present in population databases (rs748149848, gnomAD 0.02%). This variant has not been reported in the literature in individuals affected with JMJD1C-related conditions. ClinVar contains an entry for this variant (Variation ID: 946146). An algorithm developed to predict the effect of missense changes on protein structure and function (PolyPhen-2) suggests that this variant is likely to be disruptive. In summary, the available evidence is currently insufficient to determine the role of this variant in disease. Therefore, it has been classified as a Variant of Uncertain Significance.